The following is an entry in ClinVar:

ClinVar aggregate classification (germline): Benign. Review status: criteria provided, multiple submitters, no conflicts (2 of 4 stars). 2 submissions from 2 submitters: Benign (2). Last evaluated 2026-09-01.

Allele frequency attached by ClinVar (database versions not stated): 1000 Genomes Project 0.00319; 1000 Genomes Project 30x 0.00328; TOPMed 0.00607; gnomAD 0.00638 and 0.00645; gnomAD exomes 0.01052 and 0.00689; ESP Exome Variant Server 0.00715; ExAC 0.00792.
gnomAD v4.1: 16,167 of 1,613,226 alleles (1%); highest among the groups gnomAD compares: Non-Finnish European, 1.3%; 106 homozygotes.

Submissions (2):

CeGaT Center for Human Genetics Tuebingen
Classification: Benign. Last evaluated: 2026-09-01. Review status: criteria provided, single submitter. Criteria: CeGaT Center For Human Genetics Tuebingen Variant Classification Criteria Version 2. Collection method: clinical testing. Allele origin: germline. Affected: yes. Observed: 6 variant alleles.
Comment: SEC24C: BP4, BS1, BS2

Labcorp Genetics (formerly Invitae), Labcorp
Classification: Benign. Last evaluated: 2018-04-03. Review status: criteria provided, single submitter. Criteria: Invitae Variant Classification Sherloc (09022015). Collection method: clinical testing. Allele origin: germline.

NM_198597.3(SEC24C):c.1800-7T>C

Gene: SEC24C (SEC24 homolog C, COPII component; plus strand). Cytogenetic location: 10q22.2.
Variant type: single nucleotide variant.
Coding change: c.1800-7T>C on transcript NM_198597.3 (MANE Select); 7 bases into the intron before coding-DNA position 1800, T replaced by C.
Molecular consequence: intron variant.
Genome position (GRCh38, 1-based): chr10:73,766,753, T>C. VCF-style: chr10-73766753-T-C. GRCh37 (hg19) VCF-style: chr10-75526511-T-C.
Other names: c.1800-7T>C (NM_004922.4).
Identifiers: ClinVar variation 720672 (VCV000720672.9), dbSNP rs145238688, ClinGen allele CA5558497.
Genomic context (GRCh38, chr10:73,766,753, plus strand): 5'-ATCGAGAACTGAGGTATCTGGAATCTGTATAGCAATTTTGGTTGTTTTCCGTCACCTATC[T>C]CTTTAGCTTATTGGATCAGATTCCAGAAATGTTTGCAGACACAAGGGAAACAGAGACAGT-3'